The following is an entry in ClinVar:

ClinVar aggregate classification (germline): Uncertain significance. Review status: criteria provided, single submitter (1 of 4 stars). 2 submissions from 2 submitters: Uncertain significance (1). 1 of the submissions does not count toward it. Last evaluated 2025-08-01.

Conditions:
Inborn genetic diseases. Identifiers: MedGen C0950123, MeSH D030342.
KDM4B-related disorder. Also called: KDM4B-related condition.

Allele frequency attached by ClinVar (database versions not stated): gnomAD 0.00010.
gnomAD v4.1: 118 of 1,600,162 alleles (0.0074%); highest among the groups gnomAD compares: Admixed American, 0.022%; 1 homozygote.

Submissions (2):

Ambry Genetics
Classification: Uncertain significance for Inborn genetic diseases. Last evaluated: 2025-08-01. Review status: criteria provided, single submitter. Criteria: Ambry Variant Classification Scheme 2023. Collection method: clinical testing. Allele origin: germline.

PreventionGenetics, part of Exact Sciences
Classification: Likely benign for KDM4B-related condition. Last evaluated: 2022-08-01. Review status: no assertion criteria provided. Collection method: clinical testing. Allele origin: germline. Not counted in ClinVar's aggregate classification.
Comment: This variant is classified as likely benign based on ACMG/AMP sequence variant interpretation guidelines (Richards et al. 2015 PMID: 25741868, with internal and published modifications).

NM_015015.3(KDM4B):c.1726G>A (p.Gly576Ser)

Genes: KDM4B (lysine demethylase 4B; plus strand), LOC130063244 (ATAC-STARR-seq lymphoblastoid active region 13796; plus strand). Cytogenetic location: 19p13.3.
Variant type: single nucleotide variant.
Coding change: c.1726G>A on transcript NM_015015.3 (MANE Select); coding-DNA position 1726, G replaced by A.
Protein change: p.Gly576Ser; replaces glycine 576 with serine.
Molecular consequence: missense variant.
Genome position (GRCh38, 1-based): chr19:5,131,486, G>A. VCF-style: chr19-5131486-G-A. GRCh37 (hg19) VCF-style: chr19-5131497-G-A.
Other names: c.1828G>A, p.Gly610Ser (NM_001411148.1); short protein forms G576S, G610S.
Identifiers: ClinVar variation 3054116 (VCV003054116.3), dbSNP rs773359252, ClinGen allele CA9107923.
Genomic context (GRCh38, chr19:5,131,486, plus strand): 5'-CAGAAGGGTCCGACCTGGAAGGAACCAGTTTCCCCCATGGAGCTGACGGGGCCAGAGGAC[G>A]GTGCAGCCAGCAGTGGGGCAGGTCGCATGGAGACCAAAGCCCGGGCCGGAGAGGGGCAGG-3'
Protein context (NP_055830.1, residues 566-586): SPMELTGPED[Gly576Ser]AASSGAGRME